The following is an entry in ClinVar:

ClinVar aggregate classification (germline): Uncertain significance (1 of 4 stars; one submission).

Allele frequency attached by ClinVar (database versions not stated): gnomAD exomes 0.00001.
gnomAD v4.1: 15 of 1,614,146 alleles (0.00093%); highest among the groups gnomAD compares: Middle Eastern, 0.016%; 1 homozygote.

Submission:

Ambry Genetics
Classification: Uncertain significance. Last evaluated: 2024-05-11. Review status: criteria provided, single submitter. Criteria: Ambry Variant Classification Scheme 2023. Collection method: clinical testing. Allele origin: germline.
Comment: The p.E513Q variant (also known as c.1537G>C), located in coding exon 3 of the ALPK2 gene, results from a G to C substitution at nucleotide position 1537. The glutamic acid at codon 513 is replaced by glutamine, an amino acid with highly similar properties. This amino acid position is conserved. In addition, this alteration is predicted to be tolerated by in silico analysis. Since supporting evidence is limited at this time, the clinical significance of this alteration remains unclear.

NM_052947.4(ALPK2):c.1537G>C (p.Glu513Gln)

Gene: ALPK2 (alpha kinase 2; minus strand). Cytogenetic location: 18q21.31.
Variant type: single nucleotide variant.
Coding change: c.1537G>C on transcript NM_052947.4 (MANE Select); coding-DNA position 1537, G replaced by C.
Protein change: p.Glu513Gln; replaces glutamic acid 513 with glutamine.
Molecular consequence: missense variant.
Genome position (GRCh38, 1-based): chr18:58,579,239, C>G on the plus strand (G>C on the coding strand, the complement: ALPK2 is on the minus strand). VCF-style: chr18-58579239-C-G. GRCh37 (hg19) VCF-style: chr18-56246471-C-G.
Other names: short protein forms E513Q.
Identifiers: ClinVar variation 1774742 (VCV001774742.3), dbSNP rs2051941151, ClinGen allele CA402562296.
Genomic context (GRCh38, chr18:58,579,239, plus strand): 5'-TCCTTGAACCCCTCTTGCTCCATAAGTCCTTTCCCCCCACTCTCTTGTCAGCTGCCGTCT[C>G]CCAACACTGGCTCATCCCTGAGTTTTCTGACTCACCAGACAAGAGCTTCATCTCTGTCTC-3'
Protein context (NP_443179.3, residues 503-523): SENSGMSQCW[Glu513Gln]TAADKRVGGK